The following is an entry in ClinVar:

ClinVar aggregate classification (germline): Likely pathogenic (1 of 4 stars; one submission).

Submission:

GeneDx
Classification: Likely pathogenic. Last evaluated: 2014-05-13. Review status: criteria provided, single submitter. Criteria: GeneDx Variant Classification (06012015). Collection method: clinical testing. Allele origin: germline. Affected: yes.
Comment: p.Trp242Arg (TGG>CGG): c.724 T>C in exon 4 of the TGFBR1 gene (NM_004612.2) The W242R variant that is likely pathogenic identified in the TGFBR1 gene has not been published as a mutation or reported as a benign polymorphism to our knowledge. The W242R variant was not observed in approximately 6,500 individuals of European and African American ancestry in the NHLBI Exome Sequencing Project, indicating it is not a common benign variant in these populations. The W242R variant is a non-conservative amino acid substitution, which is likely to impact secondary protein structure as these residues differ in polarity, charge, size and/or other properties. This substitution occurs at a position that is conserved across species. In silico analysis predicts this variant is probably damaging to the protein structure/function. Furthermore, missense mutations in nearby residues (K232E, F234L, S241L, E245G) have been reported in association with TAAD-related disorders, supporting the functional importance of this region of the protein. Therefore, this variant is a strong candidate for a pathogenic mutation, however the possibility that it is a benign variant cannot be excluded. This variant was found in TAAD

NM_004612.4(TGFBR1):c.724T>C (p.Trp242Arg)

Gene: TGFBR1 (transforming growth factor beta receptor 1; plus strand). Cytogenetic location: 9q22.33.
Variant type: single nucleotide variant.
Coding change: c.724T>C on transcript NM_004612.4 (MANE Select); coding-DNA position 724, T replaced by C.
Protein change: p.Trp242Arg; replaces tryptophan 242 with arginine.
Molecular consequence: missense variant.
Genome position (GRCh38, 1-based): chr9:99,138,008, T>C. VCF-style: chr9-99138008-T-C. GRCh37 (hg19) VCF-style: chr9-101900290-T-C.
Other names: p.W242R:TGG>CGG; c.493T>C, p.Trp165Arg (NM_001130916.3); c.736T>C, p.Trp246Arg (NM_001306210.2); short protein forms W242R, W246R, W165R.
Identifiers: ClinVar variation 213877 (VCV000213877.2), dbSNP rs863223814, ClinGen allele CA324960.